The following is an entry in ClinVar:

ClinVar aggregate classification (germline): not provided (0 of 4 stars; one submission).

Allele frequency attached by ClinVar (database versions not stated): ExAC 0.04128; gnomAD exomes 0.04269 and 0.04745; gnomAD 0.05883 and 0.05896; TOPMed 0.06474; 1000 Genomes Project 0.06749; 1000 Genomes Project 30x 0.06761.
gnomAD v4.1: 23,402 of 490,252 alleles (4.8%); highest among the groups gnomAD compares: African/African-American, 9.7%; 761 homozygotes.

Submission:

ITMI
No classification provided. Condition: AllHighlyPenetrant. Last evaluated: 2013-09-19. Review status: no classification provided. Collection method: reference population. Allele origin: germline.
Comment: Please see associated publication for description of ethnicities

Literature cited by the submitters: PubMed 24728327.

NM_000245.4(MET):c.-14-3314A>T

Gene: MET (MET proto-oncogene, receptor tyrosine kinase; plus strand). Cytogenetic location: 7q31.2.
Variant type: single nucleotide variant.
Coding change: c.-14-3314A>T on transcript NM_000245.4 (MANE Select); 3314 bases into the intron before 14 bases upstream of the start codon, A replaced by T.
Molecular consequence: intron variant.
Genome position (GRCh38, 1-based): chr7:116,695,757, A>T. VCF-style: chr7-116695757-A-T. GRCh37 (hg19) VCF-style: chr7-116335811-A-T.
Other names: c.-14-3314A>T (NM_001127500.3, NM_001324401.3); c.-91+23180A>T (NM_001324402.2).
Identifiers: ClinVar variation 135554 (VCV000135554.1), dbSNP rs80153920, ClinGen allele CA163010.